The following is an entry in ClinVar:

ClinVar aggregate classification (germline): Uncertain significance (1 of 4 stars; one submission).

gnomAD v4.1: 2 of 1,614,072 alleles (0.00012%); highest among the groups gnomAD compares: Non-Finnish European, 0.00017%; no homozygotes.

Submission:

Labcorp Genetics (formerly Invitae), Labcorp
Classification: Uncertain significance. Last evaluated: 2023-11-06. Review status: criteria provided, single submitter. Criteria: Invitae Variant Classification Sherloc (09022015). Collection method: clinical testing. Allele origin: germline.
Comment: This sequence change replaces proline, which is neutral and non-polar, with leucine, which is neutral and non-polar, at codon 4095 of the HMCN1 protein (p.Pro4095Leu). This variant is present in population databases (no rsID available, gnomAD 0.0009%). This variant has not been reported in the literature in individuals affected with HMCN1-related conditions. ClinVar contains an entry for this variant (Variation ID: 1429588). An algorithm developed to predict the effect of missense changes on protein structure and function (PolyPhen-2) suggests that this variant is likely to be disruptive. In summary, the available evidence is currently insufficient to determine the role of this variant in disease. Therefore, it has been classified as a Variant of Uncertain Significance.

NM_031935.3(HMCN1):c.12284C>T (p.Pro4095Leu)

Gene: HMCN1 (hemicentin 1; plus strand). Cytogenetic location: 1q31.1.
Variant type: single nucleotide variant.
Coding change: c.12284C>T on transcript NM_031935.3 (MANE Select); coding-DNA position 12284, C replaced by T.
Protein change: p.Pro4095Leu; replaces proline 4095 with leucine.
Molecular consequence: missense variant.
Genome position (GRCh38, 1-based): chr1:186,123,005, C>T. VCF-style: chr1-186123005-C-T. GRCh37 (hg19) VCF-style: chr1-186092137-C-T.
Other names: short protein forms P4095L.
Identifiers: ClinVar variation 1429588 (VCV001429588.6), dbSNP rs761375779, ClinGen allele CA343902945.